The following is an entry in ClinVar:

NM_000492.4(CFTR):c.1667T>C (p.Ile556Thr)

Genes: CFTR (CF transmembrane conductance regulator; plus strand), LOC111674475 (CFTR intron 11 enhancer; plus strand). Cytogenetic location: 7q31.2.
Variant type: single nucleotide variant.
Coding change: c.1667T>C on transcript NM_000492.4 (MANE Select); coding-DNA position 1667, T replaced by C.
Protein change: p.Ile556Thr; replaces isoleucine 556 with threonine.
Molecular consequence: missense variant.
Genome position (GRCh38, 1-based): chr7:117,587,821, T>C. VCF-style: chr7-117587821-T-C. GRCh37 (hg19) VCF-style: chr7-117227875-T-C.
Other names: short protein forms I556T.
Identifiers: ClinVar variation 4868820 (VCV004868820.1).

ClinVar aggregate classification (germline): Uncertain significance (1 of 4 stars; one submission).

Conditions:
Cystic fibrosis (CF). Also called: MUCOVISCIDOSIS. Identifiers: Orphanet 586, MedGen C0010674, MONDO:0009061, OMIM 219700. Disease mechanism: loss of function.

Submission:

Ambry Genetics
Classification: Uncertain significance for Cystic fibrosis. Last evaluated: 2026-03-25. Review status: criteria provided, single submitter. Criteria: Ambry Variant Classification Scheme 2023. Collection method: clinical testing. Allele origin: germline.
Comment: The p.I556T variant (also known as c.1667T>C), located in coding exon 12 of the CFTR gene, results from a T to C substitution at nucleotide position 1667. The isoleucine at codon 556 is replaced by threonine, an amino acid with similar properties. This amino acid position is well conserved in available vertebrate species. In addition, this alteration is predicted to be deleterious by in silico analysis. Based on the available evidence, the clinical significance of this variant remains unclear.